The following is an entry in ClinVar:

ClinVar aggregate classification (germline): Uncertain significance (1 of 4 stars; one submission).

Conditions:
Congenital myasthenic syndrome 8. Also called: MYASTHENIC SYNDROME, CONGENITAL, DUE TO AGRIN DEFICIENCY; Myasthenic syndrome, congenital, 8, with pre- and postsynaptic defects. Identifiers: Orphanet 590, MedGen C3808739, MONDO:0014052, OMIM 615120.

Allele frequency attached by ClinVar (database versions not stated): gnomAD exomes below 0.00001 and 0.00001; TOPMed below 0.00001.
gnomAD v4.1: 10 of 1,611,374 alleles (0.00062%); highest among the groups gnomAD compares: Admixed American, 0.0017%; no homozygotes.

Submission:

Labcorp Genetics (formerly Invitae), Labcorp
Classification: Uncertain significance for Congenital myasthenic syndrome 8. Last evaluated: 2021-10-21. Review status: criteria provided, single submitter. Criteria: Invitae Variant Classification Sherloc (09022015). Collection method: clinical testing. Allele origin: germline.
Comment: In summary, the available evidence is currently insufficient to determine the role of this variant in disease. Therefore, it has been classified as a Variant of Uncertain Significance. Algorithms developed to predict the effect of missense changes on protein structure and function are either unavailable or do not agree on the potential impact of this missense change (SIFT: "Deleterious"; PolyPhen-2: "Possibly Damaging"; Align-GVGD: "Class C0"). This variant has not been reported in the literature in individuals affected with AGRN-related conditions. This variant is not present in population databases (ExAC no frequency). This sequence change replaces phenylalanine with serine at codon 609 of the AGRN protein (p.Phe609Ser). The phenylalanine residue is moderately conserved and there is a large physicochemical difference between phenylalanine and serine.

NM_198576.4(AGRN):c.1826T>C (p.Phe609Ser)

Gene: AGRN (agrin; plus strand). Cytogenetic location: 1p36.33.
Variant type: single nucleotide variant.
Coding change: c.1826T>C on transcript NM_198576.4 (MANE Select); coding-DNA position 1826, T replaced by C.
Protein change: p.Phe609Ser; replaces phenylalanine 609 with serine.
Molecular consequence: missense variant.
Genome position (GRCh38, 1-based): chr1:1,043,850, T>C. VCF-style: chr1-1043850-T-C. GRCh37 (hg19) VCF-style: chr1-979230-T-C.
Other names: c.1826T>C, p.Phe609Ser (NM_001305275.2); c.1511T>C, p.Phe504Ser (NM_001364727.2); short protein forms F504S, F609S.
Identifiers: ClinVar variation 1490487 (VCV001490487.4), dbSNP rs1246417325, ClinGen allele CA337834455.